The following is an entry in ClinVar:

NM_007194.4(CHEK2):c.1096-16T>C

Gene: CHEK2 (checkpoint kinase 2; minus strand). Cytogenetic location: 22q12.1.
Variant type: single nucleotide variant.
Coding change: c.1096-16T>C on transcript NM_007194.4 (MANE Select); 16 bases into the intron before coding-DNA position 1096, T replaced by C.
Molecular consequence: intron variant.
Genome position (GRCh38, 1-based): chr22:28,695,889, A>G on the plus strand (T>C on the coding strand, the complement: CHEK2 is on the minus strand). VCF-style: chr22-28695889-A-G. GRCh37 (hg19) VCF-style: chr22-29091877-A-G.
Other names: c.433-16T>C (NM_001437942.1, NM_001257387.3); c.895-16T>C (NM_001349956.3); c.1009-16T>C (NM_145862.3); c.1102-16T>C (NM_001438295.1); c.1189-16T>C (NM_001438293.1); c.1138-16T>C (NM_001438294.1); c.1225-16T>C (NM_001005735.3).
Identifiers: ClinVar variation 491591 (VCV000491591.9), dbSNP rs1377212608, ClinGen allele CA638954337.

ClinVar aggregate classification (germline): Likely benign. Review status: criteria provided, multiple submitters, no conflicts (2 of 4 stars). 3 submissions from 3 submitters: Likely benign (3). Last evaluated 2026-01-13.

Conditions:
Hereditary cancer-predisposing syndrome. Also called: Hereditary neoplastic syndrome; Tumor predisposition; Hereditary Cancer Syndrome; Neoplastic Syndromes, Hereditary. Identifiers: Orphanet 140162, MedGen C0027672, MeSH D009386, MONDO:0015356.
Familial cancer of breast. Also called: Hereditary breast cancer; hereditary breast carcinoma; BREAST CANCER, FAMILIAL. Identifiers: Orphanet 227535, MedGen C0346153, MONDO:0016419, OMIM 114480. Disease mechanism: loss of function.

Allele frequency attached by ClinVar (database versions not stated): gnomAD 0.00001; gnomAD exomes 0.00001.
gnomAD v4.1: 5 of 1,596,842 alleles (0.00031%); highest among the groups gnomAD compares: East Asian, 0.0089%; no homozygotes.

Submissions (3):

Labcorp Genetics (formerly Invitae), Labcorp
Classification: Likely benign for Familial cancer of breast. Last evaluated: 2026-01-13. Review status: criteria provided, single submitter. Criteria: Invitae Variant Classification Sherloc (09022015). Collection method: clinical testing. Allele origin: germline.

Myriad Genetics, Inc.
Classification: Likely benign for Familial cancer of breast. Last evaluated: 2024-10-04. Review status: criteria provided, single submitter. Criteria: Myriad Autosomal Dominant, Autosomal Recessive and X-Linked Classification Criteria (2023). Collection method: clinical testing. Allele origin: unknown.
Comment: This variant is considered likely benign. This variant is intronic and is not expected to impact mRNA splicing.

Color Diagnostics, LLC DBA Color Health
Classification: Likely benign for Hereditary cancer-predisposing syndrome. Last evaluated: 2016-12-16. Review status: criteria provided, single submitter. Criteria: ACMG Guidelines, 2015. Collection method: clinical testing. Allele origin: germline.